The following is an entry in ClinVar:

ClinVar aggregate classification (germline): Uncertain significance (1 of 4 stars; one submission).

Submission:

Dasa
Classification: Uncertain significance. Last evaluated: 2025-10-03. Review status: criteria provided, single submitter. Criteria: DASA Assertion Criteria. Collection method: clinical testing. Allele origin: germline.
Comment: NM_001232.4(CASQ2):c.280G>A (p.Val94Met) is a missense variant that results in the substitution of valine with methionine. This variant is rare in population databases. The currently available literature and clinical evidence are not sufficient to establish a definitive association between this variant and the reported condition. Therefore, this variant is classified as a variant of uncertain significance.

NM_001232.4(CASQ2):c.280G>A (p.Val94Met)

Gene: CASQ2 (calsequestrin 2; minus strand). Cytogenetic location: 1p13.1.
Variant type: single nucleotide variant.
Coding change: c.280G>A on transcript NM_001232.4 (MANE Select); coding-DNA position 280, G replaced by A.
Protein change: p.Val94Met; replaces valine 94 with methionine.
Molecular consequence: missense variant.
Genome position (GRCh38, 1-based): chr1:115,744,867, C>T on the plus strand (G>A on the coding strand, the complement: CASQ2 is on the minus strand). VCF-style: chr1-115744867-C-T. GRCh37 (hg19) VCF-style: chr1-116287488-C-T.
Other names: short protein forms V94M.
Identifiers: ClinVar variation 4885230 (VCV004885230.2).